The following is an entry in ClinVar:

NM_000038.6(APC):c.1953C>G (p.Asp651Glu)

Gene: APC (APC regulator of Wnt signaling pathway; plus strand). Cytogenetic location: 5q22.2.
Variant type: single nucleotide variant.
Coding change: c.1953C>G on transcript NM_000038.6 (MANE Select); coding-DNA position 1953, C replaced by G.
Protein change: p.Asp651Glu; replaces aspartic acid 651 with glutamic acid.
Molecular consequence: missense variant.
Genome position (GRCh38, 1-based): chr5:112,835,160, C>G. VCF-style: chr5-112835160-C-G. GRCh37 (hg19) VCF-style: chr5-112170857-C-G.
Other names: c.1953C>G, p.Asp651Glu (NM_001127510.3, NM_001354895.2); c.1899C>G, p.Asp633Glu (NM_001127511.3); c.2007C>G, p.Asp669Glu (NM_001354896.2); c.1983C>G, p.Asp661Glu (NM_001354897.2); c.1878C>G, p.Asp626Glu (NM_001354898.2); c.1869C>G, p.Asp623Glu (NM_001354899.2); c.1830C>G, p.Asp610Glu (NM_001354900.2); c.1776C>G, p.Asp592Glu (NM_001354901.2); and 5 more; short protein forms D633E, D651E, D368E, D550E, D661E, D592E, D669E, D525E.
Identifiers: ClinVar variation 469723 (VCV000469723.10), dbSNP rs765308810, ClinGen allele CA16025586.

ClinVar aggregate classification (germline): Uncertain significance (1 of 4 stars; one submission).

Conditions:
Familial adenomatous polyposis 1 (FAP1). Also called: POLYPOSIS, ADENOMATOUS INTESTINAL; FAMILIAL ADENOMATOUS POLYPOSIS 1, ATTENUATED. Identifiers: MedGen C2713442, MONDO:0021056, OMIM 175100. Disease mechanism: loss of function.

Submission:

Labcorp Genetics (formerly Invitae), Labcorp
Classification: Uncertain significance for Familial adenomatous polyposis 1. Last evaluated: 2022-07-25. Review status: criteria provided, single submitter. Criteria: Invitae Variant Classification Sherloc (09022015). Collection method: clinical testing. Allele origin: germline.
Comment: This sequence change replaces aspartic acid, which is acidic and polar, with glutamic acid, which is acidic and polar, at codon 651 of the APC protein (p.Asp651Glu). This variant is not present in population databases (gnomAD no frequency). This variant has not been reported in the literature in individuals affected with APC-related conditions. ClinVar contains an entry for this variant (Variation ID: 469723). Algorithms developed to predict the effect of missense changes on protein structure and function output the following: SIFT: "Tolerated"; PolyPhen-2: "Benign"; Align-GVGD: "Class C0". The glutamic acid amino acid residue is found in multiple mammalian species, which suggests that this missense change does not adversely affect protein function. In summary, the available evidence is currently insufficient to determine the role of this variant in disease. Therefore, it has been classified as a Variant of Uncertain Significance.